The following is an entry in ClinVar:

NM_170606.3(KMT2C):c.14044G>C (p.Glu4682Gln)

Gene: KMT2C (lysine methyltransferase 2C; minus strand). Cytogenetic location: 7q36.1.
Variant type: single nucleotide variant.
Coding change: c.14044G>C on transcript NM_170606.3 (MANE Select); coding-DNA position 14044, G replaced by C.
Protein change: p.Glu4682Gln; replaces glutamic acid 4682 with glutamine.
Molecular consequence: missense variant.
Genome position (GRCh38, 1-based): chr7:152,145,283, C>G on the plus strand (G>C on the coding strand, the complement: KMT2C is on the minus strand). VCF-style: chr7-152145283-C-G. GRCh37 (hg19) VCF-style: chr7-151842368-C-G.
Other names: short protein forms E4682Q.
Identifiers: ClinVar variation 2957183 (VCV002957183.3), dbSNP rs1372251821, ClinGen allele CA370088307.

ClinVar aggregate classification (germline): Uncertain significance (1 of 4 stars; one submission).

Allele frequency attached by ClinVar (database versions not stated): gnomAD exomes below 0.00001; TOPMed below 0.00001.
gnomAD v4.1: 1 of 1,613,980 alleles (0.000062%); highest among the groups gnomAD compares: Non-Finnish European, 0.000085%; no homozygotes.

Submission:

Labcorp Genetics (formerly Invitae), Labcorp
Classification: Uncertain significance. Last evaluated: 2023-04-26. Review status: criteria provided, single submitter. Criteria: Invitae Variant Classification Sherloc (09022015). Collection method: clinical testing. Allele origin: germline.
Comment: This variant is not present in population databases (gnomAD no frequency). This sequence change replaces glutamic acid, which is acidic and polar, with glutamine, which is neutral and polar, at codon 4682 of the KMT2C protein (p.Glu4682Gln). This variant has not been reported in the literature in individuals affected with KMT2C-related conditions. In summary, the available evidence is currently insufficient to determine the role of this variant in disease. Therefore, it has been classified as a Variant of Uncertain Significance. An algorithm developed to predict the effect of missense changes on protein structure and function (PolyPhen-2) suggests that this variant is likely to be disruptive.